The following is an entry in ClinVar:

ClinVar aggregate classification (germline): Uncertain significance (1 of 4 stars; one submission).

Allele frequency attached by ClinVar (database versions not stated): gnomAD exomes below 0.00001 and 0.00001; gnomAD 0.00001; TOPMed 0.00001.
gnomAD v4.1: 11 of 1,613,966 alleles (0.00068%); highest among the groups gnomAD compares: Non-Finnish European, 0.00093%; no homozygotes.

Submission:

Labcorp Genetics (formerly Invitae), Labcorp
Classification: Uncertain significance. Last evaluated: 2019-10-25. Review status: criteria provided, single submitter. Criteria: Invitae Variant Classification Sherloc (09022015). Collection method: clinical testing. Allele origin: germline.
Comment: This variant has not been reported in the literature in individuals with SLC34A1-related conditions. Algorithms developed to predict the effect of missense changes on protein structure and function (SIFT, PolyPhen-2, Align-GVGD) all suggest that this variant is likely to be disruptive, but these predictions have not been confirmed by published functional studies and their clinical significance is uncertain. In summary, the available evidence is currently insufficient to determine the role of this variant in disease. Therefore, it has been classified as a Variant of Uncertain Significance. This variant is not present in population databases (ExAC no frequency). This sequence change replaces leucine with proline at codon 368 of the SLC34A1 protein (p.Leu368Pro). The leucine residue is highly conserved and there is a moderate physicochemical difference between leucine and proline.

NM_003052.5(SLC34A1):c.1103T>C (p.Leu368Pro)

Gene: SLC34A1 (solute carrier family 34 member 1; plus strand). Cytogenetic location: 5q35.3.
Variant type: single nucleotide variant.
Coding change: c.1103T>C on transcript NM_003052.5 (MANE Select); coding-DNA position 1103, T replaced by C.
Protein change: p.Leu368Pro; replaces leucine 368 with proline.
Molecular consequence: missense variant.
Genome position (GRCh38, 1-based): chr5:177,394,124, T>C. VCF-style: chr5-177394124-T-C. GRCh37 (hg19) VCF-style: chr5-176821125-T-C.
Other names: short protein forms L368P.
Identifiers: ClinVar variation 970222 (VCV000970222.10), dbSNP rs1465757710, ClinGen allele CA362312463.